The following is an entry in ClinVar:

ClinVar aggregate classification (germline): Uncertain significance. Review status: criteria provided, multiple submitters, no conflicts (2 of 4 stars). 2 submissions from 2 submitters: Uncertain significance (2). Last evaluated 2025-01-13.

Allele frequency attached by ClinVar (database versions not stated): ExAC 0.00001; gnomAD 0.00001; gnomAD exomes 0.00001; TOPMed 0.00001.
gnomAD v4.1: 18 of 1,613,444 alleles (0.0011%); highest among the groups gnomAD compares: Non-Finnish European, 0.0014%; no homozygotes.

Submissions (2):

Labcorp Genetics (formerly Invitae), Labcorp
Classification: Uncertain significance. Last evaluated: 2025-01-13. Review status: criteria provided, single submitter. Criteria: Invitae Variant Classification Sherloc (09022015). Collection method: clinical testing. Allele origin: germline.
Comment: This sequence change replaces proline, which is neutral and non-polar, with leucine, which is neutral and non-polar, at codon 303 of the FLVCR1 protein (p.Pro303Leu). This variant is present in population databases (rs748973198, gnomAD 0.002%). This variant has not been reported in the literature in individuals affected with FLVCR1-related conditions. ClinVar contains an entry for this variant (Variation ID: 969239). Invitae Evidence Modeling of protein sequence and biophysical properties (such as structural, functional, and spatial information, amino acid conservation, physicochemical variation, residue mobility, and thermodynamic stability) indicates that this missense variant is expected to disrupt FLVCR1 protein function with a positive predictive value of 80%. In summary, the available evidence is currently insufficient to determine the role of this variant in disease. Therefore, it has been classified as a Variant of Uncertain Significance.

Blueprint Genetics
Classification: Uncertain significance. Last evaluated: 2020-03-25. Review status: criteria provided, single submitter. Criteria: ACMG Guidelines, 2015. Collection method: clinical testing. Allele origin: germline.

NM_014053.4(FLVCR1):c.908C>T (p.Pro303Leu)

Gene: FLVCR1 (FLVCR choline and heme transporter 1; plus strand). Cytogenetic location: 1q32.3.
Variant type: single nucleotide variant.
Coding change: c.908C>T on transcript NM_014053.4 (MANE Select); coding-DNA position 908, C replaced by T.
Protein change: p.Pro303Leu; replaces proline 303 with leucine.
Molecular consequence: missense variant.
Genome position (GRCh38, 1-based): chr1:212,872,702, C>T. VCF-style: chr1-212872702-C-T. GRCh37 (hg19) VCF-style: chr1-213046044-C-T.
Other names: short protein forms P303L.
Identifiers: ClinVar variation 969239 (VCV000969239.11), dbSNP rs748973198, ClinGen allele CA1386001.